The following is an entry in ClinVar:

ClinVar aggregate classification (germline): Uncertain significance. Review status: criteria provided, multiple submitters, no conflicts (2 of 4 stars). 2 submissions from 2 submitters: Uncertain significance (2). Last evaluated 2025-03-12.

Allele frequency attached by ClinVar (database versions not stated): TOPMed 0.00002; gnomAD 0.00003; gnomAD exomes 0.00005.
gnomAD v4.1: 55 of 1,209,618 alleles (0.0045%); highest among the groups gnomAD compares: Non-Finnish European, 0.0058%; no homozygotes.

Submissions (2):

Labcorp Genetics (formerly Invitae), Labcorp
Classification: Uncertain significance. Last evaluated: 2025-03-12. Review status: criteria provided, single submitter. Criteria: Invitae Variant Classification Sherloc (09022015). Collection method: clinical testing. Allele origin: germline.
Comment: This sequence change replaces alanine, which is neutral and non-polar, with glycine, which is neutral and non-polar, at codon 422 of the COL4A6 protein (p.Ala422Gly). The frequency data for this variant in the population databases is considered unreliable, as metrics indicate poor data quality at this position in the gnomAD database. This variant has not been reported in the literature in individuals affected with COL4A6-related conditions. ClinVar contains an entry for this variant (Variation ID: 2139278). Invitae Evidence Modeling of protein sequence and biophysical properties (such as structural, functional, and spatial information, amino acid conservation, physicochemical variation, residue mobility, and thermodynamic stability) indicates that this missense variant is not expected to disrupt COL4A6 protein function with a negative predictive value of 80%. In summary, the available evidence is currently insufficient to determine the role of this variant in disease. Therefore, it has been classified as a Variant of Uncertain Significance.

Ambry Genetics
Classification: Uncertain significance. Last evaluated: 2022-01-26. Review status: criteria provided, single submitter. Criteria: Ambry Variant Classification Scheme 2023. Collection method: clinical testing. Allele origin: germline.

NM_033641.4(COL4A6):c.1262C>G (p.Ala421Gly)

Gene: COL4A6 (collagen type IV alpha 6 chain; minus strand). Cytogenetic location: Xq22.3.
Variant type: single nucleotide variant.
Coding change: c.1262C>G on transcript NM_033641.4 (MANE Select); coding-DNA position 1262, C replaced by G.
Protein change: p.Ala421Gly; replaces alanine 421 with glycine.
Molecular consequence: missense variant.
Genome position (GRCh38, 1-based): chrX:108,191,452, G>C on the plus strand (C>G on the coding strand, the complement: COL4A6 is on the minus strand). VCF-style: chrX-108191452-G-C. GRCh37 (hg19) VCF-style: chrX-107434682-G-C.
Other names: c.1265C>G (NM_001847.2); c.1262C>G, p.Ala421Gly (NM_001287758.2, NM_001287759.2, NM_001287760.2); c.1265C>G, p.Ala422Gly (NM_001847.4); short protein forms A421G, A422G.
Identifiers: ClinVar variation 2139278 (VCV002139278.5), dbSNP rs763491430, ClinGen allele CA334054446.
Genomic context (GRCh38, chrX:108,191,452, plus strand): 5'-CTAGGTGGGCCTGGTGGACCTGGTGGGCCTGGCAAACCATCTCTGCCAGGGAGGCCAGCT[G>C]CTCCAATTGTGGTACGGCCTGGGTTTCCTTGGTCCCCCTTCAGCCCTGGAAATCCCTGAG-3'
Protein context (NP_378667.1, residues 411-431): QGNPGRTTIG[Ala421Gly]AGLPGRDGLP